The following is an entry in ClinVar:

NM_000016.6(ACADM):c.603T>A (p.Tyr201Ter)

Gene: ACADM (acyl-CoA dehydrogenase medium chain; plus strand). Cytogenetic location: 1p31.1.
Variant type: single nucleotide variant.
Coding change: c.603T>A on transcript NM_000016.6 (MANE Select); coding-DNA position 603, T replaced by A.
Protein change: p.Tyr201Ter; replaces tyrosine 201 with a stop codon.
Molecular consequence: nonsense.
Genome position (GRCh38, 1-based): chr1:75,745,809, T>A. VCF-style: chr1-75745809-T-A. GRCh37 (hg19) VCF-style: chr1-76211494-T-A.
Other names: c.615T>A, p.Tyr205Ter (NM_001127328.3); c.495T>A, p.Tyr165Ter (NM_001286042.2); c.702T>A, p.Tyr234Ter (NM_001286043.2); c.36T>A, p.Tyr12Ter (NM_001286044.2); c.603T>A (NM_000016.4); short protein forms Y12*, Y165*, Y201*, Y205*, Y234*.
Identifiers: ClinVar variation 2679863 (VCV002679863.3), dbSNP rs992092720, ClinGen allele CA340815786.

ClinVar aggregate classification (germline): Pathogenic/Likely pathogenic. Review status: criteria provided, multiple submitters, no conflicts (2 of 4 stars). 3 submissions from 3 submitters: Pathogenic (1); Likely pathogenic (2). Last evaluated 2024-09-30.

Conditions:
Medium-chain acyl-coenzyme A dehydrogenase deficiency (ACADMD). Also called: MCADH DEFICIENCY; MCADD; ACADM DEFICIENCY; CARNITINE DEFICIENCY SECONDARY TO MEDIUM-CHAIN ACYL-CoA DEHYDROGENASE DEFICIENCY; MCAD Deficiency; Medium chain acyl-CoA dehydrogenase deficiency. Identifiers: Orphanet 42, MedGen C0220710, MONDO:0008721, OMIM 201450.

gnomAD v4.1: 1 of 1,610,860 alleles (0.000062%); highest among the groups gnomAD compares: African/African-American, 0.0013%; no homozygotes.

Submissions (3):

Natera, Inc.
Classification: Likely pathogenic for Medium Chain Acyl-CoA Dehydrogenase Deficiency. Last evaluated: 2024-09-30. Review status: criteria provided, single submitter. Criteria: Natera Variant Classification Schema (03/2026). Collection method: clinical testing. Allele origin: germline.
Comment: The c.603T>A variant in ACADM is a nonsense variant predicted to introduce a stop codon at amino acid 201. This variant is expected to result in nonsense mediated decay, truncation, or a dysfunctional protein product. This variant is rare in the general population with a frequency below the threshold expected for the associated phenotype(s). Given the available evidence, this variant is classified as Likely Pathogenic.

GeneDx
Classification: Likely pathogenic. Last evaluated: 2024-03-01. Review status: criteria provided, single submitter. Criteria: GeneDx Variant Classification Process June 2021. Collection method: clinical testing. Allele origin: germline. Affected: yes.
Comment: Nonsense variant predicted to result in protein truncation or nonsense mediated decay in a gene for which loss-of-function is a known mechanism of disease; Not observed at a significant frequency in large population cohorts (gnomAD); Has not been previously published as pathogenic or benign to our knowledge

Baylor Genetics
Classification: Pathogenic for Medium-chain acyl-coenzyme A dehydrogenase deficiency. Last evaluated: 2023-08-23. Review status: criteria provided, single submitter. Criteria: ACMG Guidelines, 2015. Collection method: clinical testing. Allele origin: unknown.